The following is an entry in ClinVar:

NM_006218.4(PIK3CA):c.586G>T (p.Val196Leu)

Gene: PIK3CA (phosphatidylinositol-4,5-bisphosphate 3-kinase catalytic subunit alpha; plus strand). Cytogenetic location: 3q26.32.
Variant type: single nucleotide variant.
Coding change: c.586G>T on transcript NM_006218.4 (MANE Select); coding-DNA position 586, G replaced by T.
Protein change: p.Val196Leu; replaces valine 196 with leucine.
Molecular consequence: missense variant.
Genome position (GRCh38, 1-based): chr3:179,201,313, G>T. VCF-style: chr3-179201313-G-T. GRCh37 (hg19) VCF-style: chr3-178919101-G-T.
Other names: short protein forms V196L.
Identifiers: ClinVar variation 2836513 (VCV002836513.3), dbSNP rs541134560, ClinGen allele CA355276031.
Genomic context (GRCh38, chr3:179,201,313, plus strand): 5'-AGAGATGGTGATTGCATCTAATGTTTTCCTGTTATAGGGCAAATAATAGTGGTGATCTGG[G>T]TAATAGTTTCTCCAAATAATGACAAGCAGAAGTATACTCTGAAAATCAACCATGACTGTG-3'
Protein context (NP_006209.2, residues 186-206): DKGQIIVVIW[Val196Leu]IVSPNNDKQK

ClinVar aggregate classification (germline): Uncertain significance (1 of 4 stars; one submission).

Conditions:
Cowden syndrome (CS). Also called: Cowden's disease; Cowden's syndrome; Cowden disease. Identifiers: Orphanet 201, MedGen C0018553, MONDO:0016063. Disease mechanism: gain of function.

Submission:

Labcorp Genetics (formerly Invitae), Labcorp
Classification: Uncertain significance for Cowden syndrome. Last evaluated: 2023-12-12. Review status: criteria provided, single submitter. Criteria: Invitae Variant Classification Sherloc (09022015). Collection method: clinical testing. Allele origin: germline.
Comment: This sequence change replaces valine, which is neutral and non-polar, with leucine, which is neutral and non-polar, at codon 196 of the PIK3CA protein (p.Val196Leu). This variant is not present in population databases (gnomAD no frequency). This variant has not been reported in the literature in individuals affected with PIK3CA-related conditions. Advanced modeling of protein sequence and biophysical properties (such as structural, functional, and spatial information, amino acid conservation, physicochemical variation, residue mobility, and thermodynamic stability) has been performed at Invitae for this missense variant, however the output from this modeling did not meet the statistical confidence thresholds required to predict the impact of this variant on PIK3CA protein function. In summary, the available evidence is currently insufficient to determine the role of this variant in disease. Therefore, it has been classified as a Variant of Uncertain Significance.